The following is an entry in ClinVar:

NM_001371623.1(TCOF1):c.1622G>A (p.Trp541Ter)

Gene: TCOF1 (treacle ribosome biogenesis factor 1; plus strand). Cytogenetic location: 5q32.
Variant type: single nucleotide variant.
Coding change: c.1622G>A on transcript NM_001371623.1 (MANE Select); coding-DNA position 1622, G replaced by A.
Protein change: p.Trp541Ter; replaces tryptophan 541 with a stop codon.
Molecular consequence: nonsense.
Genome position (GRCh38, 1-based): chr5:150,375,472, G>A. VCF-style: chr5-150375472-G-A. GRCh37 (hg19) VCF-style: chr5-149755035-G-A.
Other names: c.1622G>A, p.Trp541Ter (NM_001195141.2, NM_001008657.3, NM_001135243.2 and 1 more transcripts); c.1391G>A, p.Trp464Ter (NM_000356.4, NM_001135245.2); short protein forms W541*, W464*.
Identifiers: ClinVar variation 1422006 (VCV001422006.6), dbSNP rs2150716827, ClinGen allele CA361747577.

ClinVar aggregate classification (germline): Pathogenic (1 of 4 stars; one submission).

Conditions:
Treacher Collins syndrome 1 (TCS1). Also called: TCOF1-Related Treacher Collins Syndrome. Identifiers: Orphanet 861, MedGen CN315775, MONDO:0007944, OMIM 154500.

Submission:

Labcorp Genetics (formerly Invitae), Labcorp
Classification: Pathogenic for Treacher Collins syndrome 1. Last evaluated: 2021-05-28. Review status: criteria provided, single submitter. Criteria: Invitae Variant Classification Sherloc (09022015). Collection method: clinical testing. Allele origin: germline.
Comment: For these reasons, this variant has been classified as Pathogenic. This variant has not been reported in the literature in individuals with TCOF1-related conditions. This variant is not present in population databases (ExAC no frequency). This sequence change creates a premature translational stop signal (p.Trp541*) in the TCOF1 gene. It is expected to result in an absent or disrupted protein product. Loss-of-function variants in TCOF1 are known to be pathogenic (PMID: 8894686, 22317976).

Literature cited by the submitters: PubMed 8894686; PubMed 22317976.